The following is an entry in ClinVar:

ClinVar aggregate classification (germline): Uncertain significance (1 of 4 stars; one submission).

Conditions:
Perlman syndrome (PRLMNS). Identifiers: Orphanet 2849, MedGen C0796113, MONDO:0009965, OMIM 267000.

Submission:

Labcorp Genetics (formerly Invitae), Labcorp
Classification: Uncertain significance for Perlman syndrome. Last evaluated: 2019-09-21. Review status: criteria provided, single submitter. Criteria: Invitae Variant Classification Sherloc (09022015). Collection method: clinical testing. Allele origin: germline.
Comment: In summary, the available evidence is currently insufficient to determine the role of this variant in disease. Therefore, it has been classified as a Variant of Uncertain Significance. This variant has not been reported in the literature in individuals with DIS3L2-related conditions. This variant is an in-frame deletion of the genomic region encompassing exon 12 of the DIS3L2 gene. It preserves the integrity of the reading frame. This deletion partially removes RNB, ribonuclease II domain (residues 329-775) (PMID: 24141620). Experimental studies and prediction algorithms are not available or were not evaluated for this variant, and the functional significance of this variant is currently unknown.

Literature cited by the submitters: PubMed 24141620.

NC_000002.12:g.(?_232249229)_(232249356_?)del

Gene: DIS3L2 (DIS3 like 3'-5' exoribonuclease 2; plus strand). Cytogenetic location: 2q37.1.
Variant type: Deletion.
Identifiers: ClinVar variation 830983 (VCV000830983.3).